The following is an entry in ClinVar:

NM_175737.4(KLB):c.1826C>T (p.Thr609Ile)

Gene: KLB (klotho beta; plus strand). Cytogenetic location: 4p14.
Variant type: single nucleotide variant.
Coding change: c.1826C>T on transcript NM_175737.4 (MANE Select); coding-DNA position 1826, C replaced by T.
Protein change: p.Thr609Ile; replaces threonine 609 with isoleucine.
Molecular consequence: missense variant.
Genome position (GRCh38, 1-based): chr4:39,446,552, C>T. VCF-style: chr4-39446552-C-T. GRCh37 (hg19) VCF-style: chr4-39448172-C-T.
Other names: short protein forms T609I.
Identifiers: ClinVar variation 4780815 (VCV004780815.1).
Genomic context (GRCh38, chr4:39,446,552, plus strand): 5'-TGGCAAGAATGAAAGTCACCCACTACCGGTTTGCTCTGGATTGGGCCTCGGTCCTTCCCA[C>T]TGGCAACCTGTCCGCGGTGAACCGACAGGCCCTGAGGTACTACAGGTGCGTGGTCAGTGA-3'
Protein context (NP_783864.1, residues 599-619): FALDWASVLP[Thr609Ile]GNLSAVNRQA

ClinVar aggregate classification (germline): Uncertain significance (1 of 4 stars; one submission).

gnomAD v4.1: 2 of 1,614,258 alleles (0.00012%); highest among the groups gnomAD compares: Admixed American, 0.0017%; no homozygotes.

Submission:

Labcorp Genetics (formerly Invitae), Labcorp
Classification: Uncertain significance. Last evaluated: 2025-10-26. Review status: criteria provided, single submitter. Criteria: Invitae Variant Classification Sherloc (09022015). Collection method: clinical testing. Allele origin: germline.
Comment: This sequence change replaces threonine, which is neutral and polar, with isoleucine, which is neutral and non-polar, at codon 609 of the KLB protein (p.Thr609Ile). This variant is present in population databases (no rsID available, gnomAD 0.003%). This variant has not been reported in the literature in individuals affected with KLB-related conditions. Invitae Evidence Modeling of protein sequence and biophysical properties (such as structural, functional, and spatial information, amino acid conservation, physicochemical variation, residue mobility, and thermodynamic stability) indicates that this missense variant is not expected to disrupt KLB protein function with a negative predictive value of 80%. In summary, the available evidence is currently insufficient to determine the role of this variant in disease. Therefore, it has been classified as a Variant of Uncertain Significance.